The following is an entry in ClinVar:

ClinVar aggregate classification (germline): Uncertain significance (1 of 4 stars; one submission).

Submission:

Labcorp Genetics (formerly Invitae), Labcorp
Classification: Uncertain significance. Last evaluated: 2023-02-14. Review status: criteria provided, single submitter. Criteria: Invitae Variant Classification Sherloc (09022015). Collection method: clinical testing. Allele origin: germline.
Comment: This sequence change replaces methionine, which is neutral and non-polar, with valine, which is neutral and non-polar, at codon 859 of the PROM1 protein (p.Met859Val). This variant is not present in population databases (gnomAD no frequency). This variant has not been reported in the literature in individuals affected with PROM1-related conditions. ClinVar contains an entry for this variant (Variation ID: 1716810). Algorithms developed to predict the effect of missense changes on protein structure and function (SIFT, PolyPhen-2, Align-GVGD) all suggest that this variant is likely to be tolerated. In summary, the available evidence is currently insufficient to determine the role of this variant in disease. Therefore, it has been classified as a Variant of Uncertain Significance.

NM_006017.3(PROM1):c.2575A>G (p.Met859Val)

Gene: PROM1 (prominin 1; minus strand). Cytogenetic location: 4p15.32.
Variant type: single nucleotide variant.
Coding change: c.2575A>G on transcript NM_006017.3 (MANE Select); coding-DNA position 2575, A replaced by G.
Protein change: p.Met859Val; replaces methionine 859 with valine.
Molecular consequence: missense variant. On other transcripts: intron variant (6).
Genome position (GRCh38, 1-based): chr4:15,979,402, T>C on the plus strand (A>G on the coding strand, the complement: PROM1 is on the minus strand). VCF-style: chr4-15979402-T-C. GRCh37 (hg19) VCF-style: chr4-15981025-T-C.
Other names: c.2462+1020A>G (NM_001371408.1, NM_001371407.1, NM_001145852.2); c.2489+1020A>G (NM_001145850.2); c.2486+479A>G (NM_001145851.2); c.2513+479A>G (NM_001145849.2); c.2548A>G, p.Met850Val (NM_001145847.2, NM_001145848.2, NM_001371406.1); short protein forms M850V, M859V.
Identifiers: ClinVar variation 1716810 (VCV001716810.5), dbSNP rs2474848890, ClinGen allele CA356425526.
Genomic context (GRCh38, chr4:15,979,402, plus strand): 5'-GAGATGAGACGGTTTATCATAGGGCGGGCATGCACTTCCAGACTTTGCTTTACCTTGTCA[T>C]AACAGGATTGTGAATACCATATACATGATCTTTATGATAACCATTATTACCATTTTCCAT-3'
Protein context (NP_006008.1, residues 849-865): DHVYGIHNPV[Met859Val]TSPSQH